The following is an entry in ClinVar:

NM_052989.3(IFT122):c.3127C>T (p.Arg1043Cys)

Gene: IFT122 (intraflagellar transport 122; plus strand). Cytogenetic location: 3q22.1.
Variant type: single nucleotide variant.
Coding change: c.3127C>T on transcript NM_052989.3 (MANE Select); coding-DNA position 3127, C replaced by T.
Protein change: p.Arg1043Cys; replaces arginine 1043 with cysteine.
Molecular consequence: missense variant.
Genome position (GRCh38, 1-based): chr3:129,514,528, C>T. VCF-style: chr3-129514528-C-T. GRCh37 (hg19) VCF-style: chr3-129233371-C-T.
Other names: c.3280C>T (NM_052985.2); c.3106C>T, p.Arg1036Cys (NM_001280541.2); c.2677C>T, p.Arg893Cys (NM_001280545.2); c.2500C>T, p.Arg834Cys (NM_001280546.2); c.2950C>T, p.Arg984Cys (NM_018262.4); c.3280C>T, p.Arg1094Cys (NM_052985.4); c.2797C>T, p.Arg933Cys (NM_052990.3); short protein forms R1036C, R1043C, R1094C, R834C, R893C, R933C, R984C.
Identifiers: ClinVar variation 1000720 (VCV001000720.10), dbSNP rs555281580, ClinGen allele CA2606786.

ClinVar aggregate classification (germline): Uncertain significance. Review status: criteria provided, multiple submitters, no conflicts (2 of 4 stars). 3 submissions from 3 submitters: Uncertain significance (3). Last evaluated 2025-10-22.

Conditions:
Inborn genetic diseases. Identifiers: MedGen C0950123, MeSH D030342.
Cranioectodermal dysplasia 1 (CED1). Also called: LEVIN SYNDROME I. Identifiers: Orphanet 1515, MedGen C0432235, MONDO:0021093, OMIM 218330.

gnomAD v4.1: 20 of 1,614,232 alleles (0.0012%); highest among the groups gnomAD compares: Non-Finnish European, 0.0014%; no homozygotes.

Submissions (3):

Ambry Genetics
Classification: Uncertain significance for Inborn genetic diseases. Last evaluated: 2025-10-22. Review status: criteria provided, single submitter. Criteria: Ambry Variant Classification Scheme 2023. Collection method: clinical testing. Allele origin: germline.

Fulgent Genetics
Classification: Uncertain significance for Cranioectodermal dysplasia 1. Last evaluated: 2024-04-14. Review status: criteria provided, single submitter. Criteria: ACMG Guidelines, 2015. Collection method: clinical testing. Allele origin: germline.

Labcorp Genetics (formerly Invitae), Labcorp
Classification: Uncertain significance for Cranioectodermal dysplasia 1. Last evaluated: 2024-02-10. Review status: criteria provided, single submitter. Criteria: Invitae Variant Classification Sherloc (09022015). Collection method: clinical testing. Allele origin: germline.
Comment: This sequence change replaces arginine, which is basic and polar, with cysteine, which is neutral and slightly polar, at codon 1094 of the IFT122 protein (p.Arg1094Cys). This variant is present in population databases (rs555281580, gnomAD 0.0009%). This variant has not been reported in the literature in individuals affected with IFT122-related conditions. ClinVar contains an entry for this variant (Variation ID: 1000720). Advanced modeling of protein sequence and biophysical properties (such as structural, functional, and spatial information, amino acid conservation, physicochemical variation, residue mobility, and thermodynamic stability) performed at Invitae indicates that this missense variant is expected to disrupt IFT122 protein function with a positive predictive value of 80%. In summary, the available evidence is currently insufficient to determine the role of this variant in disease. Therefore, it has been classified as a Variant of Uncertain Significance.